The following is an entry in ClinVar:

NM_001458.5(FLNC):c.1127A>G (p.Asn376Ser)

Gene: FLNC (filamin C; plus strand). Cytogenetic location: 7q32.1.
Variant type: single nucleotide variant.
Coding change: c.1127A>G on transcript NM_001458.5 (MANE Select); coding-DNA position 1127, A replaced by G.
Protein change: p.Asn376Ser; replaces asparagine 376 with serine.
Molecular consequence: missense variant.
Genome position (GRCh38, 1-based): chr7:128,838,346, A>G. VCF-style: chr7-128838346-A-G. GRCh37 (hg19) VCF-style: chr7-128478400-A-G.
Other names: c.1127A>G, p.Asn376Ser (NM_001127487.2); short protein forms N376S.
Identifiers: ClinVar variation 3753320 (VCV003753320.2).

ClinVar aggregate classification (germline): Uncertain significance (1 of 4 stars; one submission).

Conditions:
Myofibrillar myopathy 5. Also called: Filaminopathy (type); FILAMINOPATHY, AUTOSOMAL DOMINANT. Identifiers: Orphanet 171445, MedGen C1836050, MONDO:0012289, OMIM 609524.
Distal myopathy with posterior leg and anterior hand involvement. Also called: WILLIAMS DISTAL MYOPATHY. Identifiers: Orphanet 63273, MedGen C3279722, MONDO:0013550, OMIM 614065.
Hypertrophic cardiomyopathy 26. Also called: Cardiomyopathy, familial hypertrophic, 26. Identifiers: Orphanet 75249, MedGen C4310749, MONDO:0014883, OMIM 617047.

Submission:

Labcorp Genetics (formerly Invitae), Labcorp
Classification: Uncertain significance for Distal myopathy with posterior leg and anterior hand involvement; Myofibrillar myopathy 5; Hypertrophic cardiomyopathy 26. Last evaluated: 2024-10-22. Review status: criteria provided, single submitter. Criteria: Invitae Variant Classification Sherloc (09022015). Collection method: clinical testing. Allele origin: germline.
Comment: This sequence change replaces asparagine, which is neutral and polar, with serine, which is neutral and polar, at codon 376 of the FLNC protein (p.Asn376Ser). This variant is present in population databases (rs771508884, gnomAD 0.003%). This variant has not been reported in the literature in individuals affected with FLNC-related conditions. Invitae Evidence Modeling of protein sequence and biophysical properties (such as structural, functional, and spatial information, amino acid conservation, physicochemical variation, residue mobility, and thermodynamic stability) has been performed for this missense variant. However, the output from this modeling did not meet the statistical confidence thresholds required to predict the impact of this variant on FLNC protein function. In summary, the available evidence is currently insufficient to determine the role of this variant in disease. Therefore, it has been classified as a Variant of Uncertain Significance.